The following is an entry in ClinVar:

ClinVar aggregate classification (germline): Benign/Likely benign. Review status: criteria provided, multiple submitters, no conflicts (2 of 4 stars). 7 submissions from 7 submitters: Benign (1); Likely benign (6). Last evaluated 2026-03-27.

Conditions:
Cardiovascular phenotype. Identifiers: MedGen CN230736.
Catecholaminergic polymorphic ventricular tachycardia (CVPT). Also called: Catecholamine-induced polymorphic ventricular tachycardia. Identifiers: Orphanet 3286, MedGen C5574922, MONDO:0017990.
Cardiomyopathy (CMYO). Also called: Cardiomyopathies. Identifiers: Orphanet 167848, MedGen C0878544, MONDO:0004994, HP:0001638. Inheritance: Various modes of inheritance.
Catecholaminergic polymorphic ventricular tachycardia 1. Also called: VENTRICULAR TACHYCARDIA, CATECHOLAMINERGIC POLYMORPHIC, 1, WITH OR WITHOUT ATRIAL DYSFUNCTION AND/OR DILATED CARDIOMYOPATHY; RYR2-Related Catecholaminergic Polymorphic Ventricular Tachycardia; VENTRICULAR TACHYCARDIA, STRESS-INDUCED POLYMORPHIC 1. Identifiers: Orphanet 3286, MedGen C1631597, MONDO:0011484, OMIM 604772.

Allele frequency attached by ClinVar (database versions not stated): ExAC 0.00002; gnomAD exomes 0.00004 and 0.00013; ESP Exome Variant Server 0.00008; gnomAD 0.00006; TOPMed 0.00005.
gnomAD v4.1: 205 of 1,608,938 alleles (0.013%); highest among the groups gnomAD compares: Non-Finnish European, 0.016%; no homozygotes.

Submissions (7):

Molecular Diagnostic Laboratory for Inherited Cardiovascular Disease, Montreal Heart Institute
Classification: Likely benign. Last evaluated: 2026-03-27. Review status: criteria provided, single submitter. Criteria: ACMG Guidelines, 2015. Collection method: clinical testing. Allele origin: germline. Affected: no.

Labcorp Genetics (formerly Invitae), Labcorp
Classification: Likely benign for Catecholaminergic polymorphic ventricular tachycardia 1. Last evaluated: 2025-08-21. Review status: criteria provided, single submitter. Criteria: Invitae Variant Classification Sherloc (09022015). Collection method: clinical testing. Allele origin: germline.

All of Us Research Program, National Institutes of Health
Classification: Likely benign for Catecholaminergic polymorphic ventricular tachycardia. Last evaluated: 2024-01-11. Review status: criteria provided, single submitter. Criteria: ACMG Guidelines, 2015. Collection method: clinical testing. Allele origin: germline. Inheritance: Autosomal dominant inheritance. Observed: 19 variant alleles, 19 heterozygotes.
Comment: This study involves interpretation of variants in research participants for the purpose of population health screening. Participant phenotype was not available at the time of variant classification. Additional details can be found in publication PMID: 35346344, PMCID: PMC8962531

Color Diagnostics, LLC DBA Color Health
Classification: Likely benign for Cardiomyopathy. Last evaluated: 2018-09-28. Review status: criteria provided, single submitter. Criteria: ACMG Guidelines, 2015. Collection method: clinical testing. Allele origin: germline.

Ambry Genetics
Classification: Likely benign for Cardiovascular phenotype. Last evaluated: 2018-03-26. Review status: criteria provided, single submitter. Criteria: Ambry Variant Classification Scheme 2023. Collection method: clinical testing. Allele origin: germline.

Laboratory for Molecular Medicine, Mass General Brigham Personalized Medicine
Classification: Likely benign. Last evaluated: 2015-05-06. Review status: criteria provided, single submitter. Criteria: LMM Criteria. Collection method: clinical testing. Allele origin: germline. Observed: 1 variant allele.
Comment: p.His506His in exon 16 of RYR2: This variant is not expected to have clinical si gnificance because it does not alter an amino acid residue and is not located wi thin the splice consensus sequence. It has been identified in 2/66544 European c hromosomes by the Exome Aggregation Consortium (ExAC .org; dbSNP rs372620246).

GeneDx
Classification: Benign. Last evaluated: 2015-03-03. Review status: criteria provided, single submitter. Criteria: GeneDx Variant Classification Process June 2021. Collection method: clinical testing. Allele origin: germline. Affected: yes.

NM_001035.3(RYR2):c.1518C>T (p.His506=)

Gene: RYR2 (ryanodine receptor 2; plus strand). Cytogenetic location: 1q43.
Variant type: single nucleotide variant.
Coding change: c.1518C>T on transcript NM_001035.3 (MANE Select); coding-DNA position 1518, C replaced by T.
Protein change: p.His506=; no amino-acid change (histidine 506 retained).
Molecular consequence: synonymous variant.
Genome position (GRCh38, 1-based): chr1:237,456,641, C>T. VCF-style: chr1-237456641-C-T. GRCh37 (hg19) VCF-style: chr1-237619941-C-T.
Identifiers: ClinVar variation 227913 (VCV000227913.24), dbSNP rs372620246, ClinGen allele CA085798.